The following is an entry in ClinVar:

NM_006070.6(TFG):c.971dup (p.Tyr324Ter)

Gene: TFG (trafficking from ER to golgi regulator; plus strand). Cytogenetic location: 3q12.2.
Variant type: Duplication.
Coding change: c.971dup on transcript NM_006070.6 (MANE Select); coding-DNA position 971, one base duplicated (A; older notation c.971dupA).
Protein change: p.Tyr324Ter; replaces tyrosine 324 with a stop codon.
Molecular consequence: nonsense.
Genome position (GRCh38, 1-based): chr3:100,748,299, A duplicated. VCF-style (leftmost placement, unchanged base first): chr3-100748298-T-TA. GRCh37 (hg19) VCF-style: chr3-100467142-T-TA.
Other names: c.971dup, p.Tyr324Ter (NM_001007565.2, NM_001195478.2); c.959dup, p.Tyr320Ter (NM_001195479.2); short protein forms Y320*, Y324*.
Identifiers: ClinVar variation 3757030 (VCV003757030.2).

ClinVar aggregate classification (germline): Uncertain significance (1 of 4 stars; one submission).

Conditions:
Hereditary motor and sensory neuropathy, Okinawa type (HMSNO). Also called: HEREDITARY MOTOR AND SENSORY NEUROPATHY, PROXIMAL TYPE. Identifiers: Orphanet 90117, MedGen C1858338, MONDO:0011468, OMIM 604484.
Hereditary spastic paraplegia 57. Also called: Spastic paraplegia 57, autosomal recessive. Identifiers: Orphanet 431329, MedGen C3714897, MONDO:0014295, OMIM 615658.

Submission:

Labcorp Genetics (formerly Invitae), Labcorp
Classification: Uncertain significance for Hereditary motor and sensory neuropathy, Okinawa type; Hereditary spastic paraplegia 57. Last evaluated: 2024-10-21. Review status: criteria provided, single submitter. Criteria: Invitae Variant Classification Sherloc (09022015). Collection method: clinical testing. Allele origin: germline.
Comment: This sequence change creates a premature translational stop signal (p.Tyr324*) in the TFG gene. While this is not anticipated to result in nonsense mediated decay, it is expected to disrupt the last 77 amino acid(s) of the TFG protein. This variant is not present in population databases (gnomAD no frequency). This variant has not been reported in the literature in individuals affected with TFG-related conditions. Experimental studies and prediction algorithms are not available or were not evaluated, and the functional significance of this variant is currently unknown. In summary, the available evidence is currently insufficient to determine the role of this variant in disease. Therefore, it has been classified as a Variant of Uncertain Significance.